The following is an entry in ClinVar:

ClinVar aggregate classification (germline): Pathogenic/Likely pathogenic. Review status: criteria provided, multiple submitters, no conflicts (2 of 4 stars). 3 submissions from 3 submitters: Pathogenic (1); Likely pathogenic (2). Last evaluated 2023-10-01.

Conditions:
Ullrich congenital muscular dystrophy 1C (UCMD1C). Identifiers: MedGen C5935583, MONDO:0958236, OMIM 620728.
COL6A3-related disorder. Also called: COL6A3-related disorders; COL6A3-related condition.
Bethlem myopathy 1A. Also called: MYOPATHY, BENIGN CONGENITAL, WITH CONTRACTURES; Bethlem myopathy 1; Bethlem Muscular Dystrophy. Identifiers: Orphanet 610, MedGen CN029274, MONDO:0024530, OMIM 158810.

Allele frequency attached by ClinVar (database versions not stated): gnomAD 0.00001; ExAC 0.00002; TOPMed 0.00002.
gnomAD v4.1: 6 of 1,614,074 alleles (0.00037%); highest among the groups gnomAD compares: Admixed American, 0.0017%; no homozygotes.

Submissions (3):

PreventionGenetics, part of Exact Sciences
Classification: Likely pathogenic for COL6A3-related condition. Last evaluated: 2023-10-01. Review status: criteria provided, single submitter. Criteria: ACMG Guidelines, 2015. Collection method: clinical testing. Allele origin: germline.
Comment: The COL6A3 c.1825C>T variant is predicted to result in premature protein termination (p.Arg609*). To our knowledge, this variant has not been reported in the literature. This variant is reported in 0.0035% of alleles in individuals of European (Non-Finnish) descent in gnomAD. Nonsense variants in COL6A3 are expected to be pathogenic for autosomal recessive COL6A3-related disorders. This variant is interpreted as likely pathogenic for autosomal recessive COL6A3-related disorders.

Department of Pathology and Laboratory Medicine, Sinai Health System
Classification: Likely pathogenic for Ullrich congenital muscular dystrophy 1C. Last evaluated: 2023-06-21. Review status: criteria provided, single submitter. Criteria: ACMG Guidelines, 2015. Collection method: research. Allele origin: germline.

Labcorp Genetics (formerly Invitae), Labcorp
Classification: Pathogenic for Bethlem myopathy 1A. Last evaluated: 2022-09-26. Review status: criteria provided, single submitter. Criteria: Invitae Variant Classification Sherloc (09022015). Collection method: clinical testing. Allele origin: germline.
Comment: This variant has not been reported in the literature in individuals affected with COL6A3-related conditions. This sequence change creates a premature translational stop signal (p.Arg609*) in the COL6A3 gene. It is expected to result in an absent or disrupted protein product. Loss-of-function variants in COL6A3 are known to be pathogenic (PMID: 26004199). This variant is present in population databases (rs755382829, gnomAD 0.004%). ClinVar contains an entry for this variant (Variation ID: 857930). For these reasons, this variant has been classified as Pathogenic.

Literature cited by the submitters: PubMed 26004199 (cited by Labcorp Genetics (formerly Invitae), Labcorp).

NM_004369.4(COL6A3):c.1825C>T (p.Arg609Ter)

Gene: COL6A3 (collagen type VI alpha 3 chain; minus strand). Cytogenetic location: 2q37.3.
Variant type: single nucleotide variant.
Coding change: c.1825C>T on transcript NM_004369.4 (MANE Select); coding-DNA position 1825, C replaced by T.
Protein change: p.Arg609Ter; replaces arginine 609 with a stop codon.
Molecular consequence: nonsense.
Genome position (GRCh38, 1-based): chr2:237,380,987, G>A on the plus strand (C>T on the coding strand, the complement: COL6A3 is on the minus strand). VCF-style: chr2-237380987-G-A. GRCh37 (hg19) VCF-style: chr2-238289630-G-A.
Other names: c.604C>T, p.Arg202Ter (NM_057164.5, NM_057166.5); c.1207C>T, p.Arg403Ter (NM_057165.5, NM_057167.4); short protein forms R609*, R202*, R403*.
Identifiers: ClinVar variation 857930 (VCV000857930.10), dbSNP rs755382829, ClinGen allele CA2189550.
Genomic context (GRCh38, chr2:237,380,987, plus strand): 5'-CAGAGAGGGTCCTGAGAGGTGCCAGCAAGCCAGGCAGCATGCCTTGCAATGGGGCGGCTC[G>A]GAACTCAGCTGGGATGAACACCAGGGAGGAGTCGAAAGCGATCTCTTCCAGCTCAGCCTG-3'